The following is an entry in ClinVar:

NM_001048174.2(MUTYH):c.1239+1G>T

Gene: MUTYH (mutY DNA glycosylase; minus strand). Cytogenetic location: 1p34.1.
Variant type: single nucleotide variant.
Coding change: c.1239+1G>T on transcript NM_001048174.2 (MANE Select); the canonical splice donor site of the intron after coding-DNA position 1239, G replaced by T.
Molecular consequence: splice donor variant.
Genome position (GRCh38, 1-based): chr1:45,331,419, C>A on the plus strand (G>T on the coding strand, the complement: MUTYH is on the minus strand). VCF-style: chr1-45331419-C-A. GRCh37 (hg19) VCF-style: chr1-45797091-C-A.
Other names: c.1239+1G>T (NM_001407089.1, NM_001407072.1, NM_001407073.1 and 6 more transcripts); c.894+1G>T (NM_001350651.2, NM_001350650.2, NM_001407082.1); c.963+1G>T (NM_001293192.2, NM_001293196.2, NM_001407091.1); c.1284+1G>T (NM_001293190.2); c.1272+1G>T (NM_001407069.1, NM_001407077.1, NM_001293191.2); c.1314+1G>T (NM_012222.3); c.1323+1G>T (NM_001128425.2); c.1242+1G>T (NM_001407071.1, NM_001048172.2, NM_001407078.1 and 1 more transcripts); and 5 more.
Identifiers: ClinVar variation 940848 (VCV000940848.8), dbSNP rs1644818073, ClinGen allele CA340132819.
Genomic context (GRCh38, chr1:45,331,419, plus strand): 5'-AATAGGCCTGTGGATATAGCCTCAAAAGCCAACATCCTTGGCTATTCCGCTGCTCACTTA[C>A]CTCCCCAAGGTGCCGGAGGTGCGTGGCTGGGAGGGGCCCAGCCCAACGCTGTAGTTCCTG-3'

ClinVar aggregate classification (germline): Pathogenic (1 of 4 stars; one submission).

Conditions:
Familial adenomatous polyposis 2. Also called: Adenomas, multiple colorectal; MUTYH Polyposis; COLORECTAL ADENOMATOUS POLYPOSIS, AUTOSOMAL RECESSIVE; ADENOMAS, MULTIPLE COLORECTAL, AUTOSOMAL RECESSIVE; MUTYH-associated polyposis; MUTYH-related attenuated familial adenomatous polyposis. Identifiers: Orphanet 220460, Orphanet 247798, MedGen C3272841, MONDO:0012041, OMIM 608456.

Submission:

Labcorp Genetics (formerly Invitae), Labcorp
Classification: Pathogenic for Familial adenomatous polyposis 2. Last evaluated: 2025-01-15. Review status: criteria provided, single submitter. Criteria: Invitae Variant Classification Sherloc (09022015). Collection method: clinical testing. Allele origin: germline.
Comment: This sequence change affects a donor splice site in intron 13 of the MUTYH gene. RNA analysis indicates that disruption of this splice site induces altered splicing and likely disrupts the C-terminus of the protein. This variant is not present in population databases (gnomAD no frequency). Disruption of this splice site has been observed in individual(s) with polyposis (external communication). In at least one individual the data is consistent with being in trans (on the opposite chromosome) from a pathogenic variant. ClinVar contains an entry for this variant (Variation ID: 940848). Studies have shown that disruption of this splice site results in activation of a cryptic splice site and introduces a new termination codon (internal data). However the mRNA is not expected to undergo nonsense-mediated decay. This variant disrupts the conserved PCNA binding motif of the MUTYH protein, which has been shown to be critical for MUTYH-PCNA binding and repair efficiency (PMID: 11092888, 26377631, 11433026, 11864576). While functional studies have not been performed to directly test the effect of this variant on MUTYH protein function, this suggests that disruption of this region of the protein is causative of disease. For these reasons, this variant has been classified as Pathogenic.

Literature cited by the submitters: PubMed 11092888; PubMed 26377631; PubMed 11433026; PubMed 11864576.